The following is an entry in ClinVar:

NM_033305.3(VPS13A):c.3456_3459del (p.Ile1152fs)

Gene: VPS13A (vacuolar protein sorting 13 homolog A; plus strand). Cytogenetic location: 9q21.2.
Variant type: Deletion.
Coding change: c.3456_3459del on transcript NM_033305.3 (MANE Select); coding-DNA positions 3456 to 3459, 4 bases deleted (AGTT; older notation c.3456_3459delAGTT).
Protein change: p.Ile1152fs; shifts the reading frame from isoleucine 1152.
Molecular consequence: frameshift variant.
Genome position (GRCh38, 1-based): chr9:77,293,457-77,293,460, AGTT deleted; deleting any 4 consecutive bases within chr9:77,293,456-77,293,460 gives the same sequence; the c. name uses the placement nearest the transcript's 3' end. VCF-style (leftmost placement, unchanged base first): chr9-77293455-ATAGT-A. GRCh37 (hg19) VCF-style: chr9-79908371-ATAGT-A.
Other names: c.3339_3342del, p.Ile1113fs (NM_001018037.2); c.3456_3459del, p.Ile1152fs (NM_001018038.3, NM_015186.4); short protein forms I1152fs, I1113fs.
Identifiers: ClinVar variation 1452296 (VCV001452296.7), dbSNP rs2131371963, ClinGen allele CA2573144719.

ClinVar aggregate classification (germline): Pathogenic/Likely pathogenic. Review status: criteria provided, multiple submitters, no conflicts (2 of 4 stars). 2 submissions from 2 submitters: Pathogenic (1); Likely pathogenic (1). Last evaluated 2024-04-29.

Conditions:
VPS13A-related neurodegenerative disease. Also called: Choreoacanthocytosis; Chorea-acanthocytosis; VPS13A Disease; Choreaacanthocytosis; ACANTHOCYTOSIS WITH NEUROLOGIC DISORDER; LEVINE-CRITCHLEY SYNDROME. Identifiers: Orphanet 2388, MedGen C0393576, MONDO:0008695, OMIM 200150.

Submissions (2):

Fulgent Genetics
Classification: Likely pathogenic for VPS13A-related neurodegenerative disease. Last evaluated: 2024-04-29. Review status: criteria provided, single submitter. Criteria: ACMG Guidelines, 2015. Collection method: clinical testing. Allele origin: germline.

Labcorp Genetics (formerly Invitae), Labcorp
Classification: Pathogenic. Last evaluated: 2023-05-05. Review status: criteria provided, single submitter. Criteria: Invitae Variant Classification Sherloc (09022015). Collection method: clinical testing. Allele origin: germline.
Comment: This sequence change creates a premature translational stop signal (p.Ile1152Metfs*6) in the VPS13A gene. It is expected to result in an absent or disrupted protein product. Loss-of-function variants in VPS13A are known to be pathogenic (PMID: 12404112, 21598378). This variant is not present in population databases (gnomAD no frequency). This variant has not been reported in the literature in individuals affected with VPS13A-related conditions. ClinVar contains an entry for this variant (Variation ID: 1452296). For these reasons, this variant has been classified as Pathogenic.

Literature cited by the submitters: PubMed 12404112 (cited by Labcorp Genetics (formerly Invitae), Labcorp); PubMed 21598378 (cited by Labcorp Genetics (formerly Invitae), Labcorp).